The following is an entry in ClinVar:

NM_000127.3(EXT1):c.1681G>A (p.Val561Met)

Gene: EXT1 (exostosin glycosyltransferase 1; minus strand). Cytogenetic location: 8q24.11.
Variant type: single nucleotide variant.
Coding change: c.1681G>A on transcript NM_000127.3 (MANE Select); coding-DNA position 1681, G replaced by A.
Protein change: p.Val561Met; replaces valine 561 with methionine.
Molecular consequence: missense variant.
Genome position (GRCh38, 1-based): chr8:117,812,913, C>T on the plus strand (G>A on the coding strand, the complement: EXT1 is on the minus strand). VCF-style: chr8-117812913-C-T. GRCh37 (hg19) VCF-style: chr8-118825152-C-T.
Other names: short protein forms V561M.
Identifiers: ClinVar variation 4252110 (VCV004252110.2).
Genomic context (GRCh38, chr8:117,812,913, plus strand): 5'-CTCAGGCATGGGTTCTTACCTCTGTTGTTGAAAGCACCGTGTCCTCGTCAAGGCTGAGCA[C>T]GGCGTCTGTGATGATGTTGTCGTAGGGCAGAAAACGGCTGCTCATAACCTGGGAGGAAGT-3'
Protein context (NP_000118.2, residues 551-571): LPYDNIITDA[Val561Met]LSLDEDTVLS

ClinVar aggregate classification (germline): Uncertain significance. Review status: criteria provided, multiple submitters, no conflicts (2 of 4 stars). 2 submissions from 2 submitters: Uncertain significance (2). Last evaluated 2025-09-22.

Conditions:
Multiple congenital exostosis (EXT). Also called: Multiple exostoses; MULTIPLE CARTILAGINOUS EXOSTOSES; Hereditary multiple exostoses; Hereditary multiple exostosis; Multiple osteochondromas; Hereditary multiple osteochondromas. Identifiers: Orphanet 321, MedGen C0015306, MONDO:0005508, HP:0002762.
Inborn genetic diseases. Identifiers: MedGen C0950123, MeSH D030342.

gnomAD v4.1: 6 of 1,613,876 alleles (0.00037%); highest among the groups gnomAD compares: African/African-American, 0.0013%; no homozygotes.

Submissions (2):

Labcorp Genetics (formerly Invitae), Labcorp
Classification: Uncertain significance for Multiple congenital exostosis. Last evaluated: 2025-09-22. Review status: criteria provided, single submitter. Criteria: Invitae Variant Classification Sherloc (09022015). Collection method: clinical testing. Allele origin: germline.
Comment: This sequence change replaces valine, which is neutral and non-polar, with methionine, which is neutral and non-polar, at codon 561 of the EXT1 protein (p.Val561Met). This variant is not present in population databases (gnomAD no frequency). This variant has not been reported in the literature in individuals affected with EXT1-related conditions. Invitae Evidence Modeling of protein sequence and biophysical properties (such as structural, functional, and spatial information, amino acid conservation, physicochemical variation, residue mobility, and thermodynamic stability) indicates that this missense variant is expected to disrupt EXT1 protein function with a positive predictive value of 80%. In summary, the available evidence is currently insufficient to determine the role of this variant in disease. Therefore, it has been classified as a Variant of Uncertain Significance.

Ambry Genetics
Classification: Uncertain significance for Inborn genetic diseases. Last evaluated: 2025-09-09. Review status: criteria provided, single submitter. Criteria: Ambry Variant Classification Scheme 2023. Collection method: clinical testing. Allele origin: germline.